The following is an entry in ClinVar:

ClinVar aggregate classification (germline): Likely pathogenic. Review status: criteria provided, multiple submitters, no conflicts (2 of 4 stars). 2 submissions from 2 submitters: Likely pathogenic (2). Last evaluated 2021-03-24.

Conditions:
Disseminated atypical mycobacterial infection. Identifiers: MedGen C0694566.
Interferon gamma receptor deficiency (IFNGRD). Identifiers: MedGen C1112429.

Submissions (2):

Labcorp Genetics (formerly Invitae), Labcorp
Classification: Likely pathogenic for Disseminated atypical mycobacterial infection. Last evaluated: 2021-03-24. Review status: criteria provided, single submitter. Criteria: Invitae Variant Classification Sherloc (09022015). Collection method: clinical testing. Allele origin: germline.
Comment: In summary, the currently available evidence indicates that the variant is pathogenic, but additional data are needed to prove that conclusively. Therefore, this variant has been classified as Likely Pathogenic. Algorithms developed to predict the effect of sequence changes on RNA splicing suggest that this variant may disrupt the consensus splice site, but this prediction has not been confirmed by published transcriptional studies. This variant has not been reported in the literature in individuals with IFNGR1-related conditions. ClinVar contains an entry for this variant (Variation ID: 36373). This variant is not present in population databases (ExAC no frequency). This sequence change affects an acceptor splice site in intron 2 of the IFNGR1 gene. It is expected to disrupt RNA splicing. Variants that disrupt the donor or acceptor splice site typically lead to a loss of protein function (PMID: 16199547), and loss-of-function variants in IFNGR1 are known to be pathogenic (PMID: 8960473, 9806040).

Women's Health and Genetics/Laboratory Corporation of America, LabCorp
Classification: Likely pathogenic for Interferon Gamma Receptor Deficiency. Last evaluated: 2011-08-18. Review status: criteria provided, single submitter. Criteria: LabCorp Variant Classification Summary - May 2015. Collection method: curation, clinical testing. Allele origin: germline. Inheritance: autosomal unknown. Affected: yes.
ClinVar note: Converted during submission from likely pathogenic to Likely pathogenic.

Literature cited by the submitters: PubMed 16199547 (cited by Labcorp Genetics (formerly Invitae), Labcorp); PubMed 8960473 (cited by Labcorp Genetics (formerly Invitae), Labcorp); PubMed 9806040 (cited by Labcorp Genetics (formerly Invitae), Labcorp).

NM_000416.3(IFNGR1):c.201-1G>T

Gene: IFNGR1 (interferon gamma receptor 1; minus strand). Cytogenetic location: 6q23.3.
Variant type: single nucleotide variant.
Coding change: c.201-1G>T on transcript NM_000416.3 (MANE Select); the canonical splice acceptor site of the intron before coding-DNA position 201, G replaced by T.
Molecular consequence: splice acceptor variant.
Genome position (GRCh38, 1-based): chr6:137,206,309, C>A on the plus strand (G>T on the coding strand, the complement: IFNGR1 is on the minus strand). VCF-style: chr6-137206309-C-A. GRCh37 (hg19) VCF-style: chr6-137527446-C-A.
Other names: c.171-1G>T (NM_001363526.1); c.78-1G>T (NM_001363527.1).
Identifiers: ClinVar variation 36373 (VCV000036373.10), dbSNP rs193922451, ClinGen allele CA214018.